The following is an entry in ClinVar:

NM_001005242.3(PKP2):c.1138G>T (p.Glu380Ter)

Gene: PKP2 (plakophilin 2; minus strand). Cytogenetic location: 12p11.21.
Variant type: single nucleotide variant.
Coding change: c.1138G>T on transcript NM_001005242.3 (MANE Select); coding-DNA position 1138, G replaced by T.
Protein change: p.Glu380Ter; replaces glutamic acid 380 with a stop codon.
Molecular consequence: nonsense.
Genome position (GRCh38, 1-based): chr12:32,868,959, C>A on the plus strand (G>T on the coding strand, the complement: PKP2 is on the minus strand). VCF-style: chr12-32868959-C-A. GRCh37 (hg19) VCF-style: chr12-33021893-C-A.
Other names: c.1138G>T, p.Glu380Ter (NM_004572.4); short protein forms E380*.
Identifiers: ClinVar variation 496253 (VCV000496253.43), dbSNP rs878898365, ClinGen allele CA384359128.

ClinVar aggregate classification (germline): Pathogenic/Likely pathogenic. Review status: criteria provided, multiple submitters, no conflicts (2 of 4 stars). 5 submissions from 5 submitters: Pathogenic (4); Likely pathogenic (1). Last evaluated 2024-10-15.

Conditions:
Arrhythmogenic right ventricular cardiomyopathy (ARVD). Also called: Arrhythmogenic cardiomyopathy; Arrhythmogenic Right Ventricular Cardiomyopathy (ARVC); Cardiomyopathy, ARVC; Arrhythmogenic right ventricular dysplasia. Identifiers: Orphanet 247, MedGen C0349788, MeSH D019571, MONDO:0016587. Disease mechanism: loss of function. Inheritance: Various modes of inheritance.
Cardiomyopathy (CMYO). Also called: Cardiomyopathies. Identifiers: Orphanet 167848, MedGen C0878544, MONDO:0004994, HP:0001638. Inheritance: Various modes of inheritance.
Cardiovascular phenotype. Identifiers: MedGen CN230736.
Familial isolated arrhythmogenic right ventricular dysplasia. Identifiers: Orphanet 217656, MedGen C4274968, MONDO:0016342.

gnomAD v4.1: 1 of 1,613,672 alleles (0.000062%); highest among the groups gnomAD compares: Non-Finnish European, 0.000085%; no homozygotes.

Submissions (5):

Ambry Genetics
Classification: Pathogenic for Cardiovascular phenotype. Last evaluated: 2024-10-15. Review status: criteria provided, single submitter. Criteria: Ambry Variant Classification Scheme 2023. Collection method: clinical testing. Allele origin: germline.
Comment: The p.E380* pathogenic mutation (also known as c.1138G>T), located in coding exon 4 of the PKP2 gene, results from a G to T substitution at nucleotide position 1138. This changes the amino acid from a glutamic acid to a stop codon within coding exon 4. This variant is considered to be rare based on population cohorts in the Genome Aggregation Database (gnomAD). This alteration is expected to result in loss of function by premature protein truncation or nonsense-mediated mRNA decay. As such, this alteration is interpreted as a disease-causing mutation.

All of Us Research Program, National Institutes of Health
Classification: Pathogenic for Arrhythmogenic right ventricular cardiomyopathy. Last evaluated: 2024-08-23. Review status: criteria provided, single submitter. Criteria: ACMG Guidelines, 2015. Collection method: clinical testing. Allele origin: germline. Inheritance: Autosomal dominant inheritance. Observed: 4 variant alleles, 4 heterozygotes.
Comment: This variant changes 1 nucleotide in exon 4 in the armadillo repeat 1 of the PKP2 gene, creating a premature translation stop signal. This variant is expected to result in an absent or non-functional protein product. This variant has been reported in an individual affected with arrhythmogenic right ventricular cardiomyopathy and sudden cardiac arrest (PMID: 28472724). This variant has not been identified in the general population by the Genome Aggregation Database (gnomAD). Loss of PKP2 function is a known mechanism of disease. Based on the available evidence, this variant is classified as Pathogenic.

This study involves interpretation of variants in research participants for the purpose of population health screening. Participant phenotype was not available at the time of variant classification. Additional details can be found in publication PMID: 35346344, PMCID: PMC8962531

Color Diagnostics, LLC DBA Color Health
Classification: Pathogenic for Cardiomyopathy. Last evaluated: 2024-08-12. Review status: criteria provided, single submitter. Criteria: ACMG Guidelines, 2015. Collection method: clinical testing. Allele origin: germline.
Comment: This variant changes 1 nucleotide in exon 4 in the armadillo repeat 1 of the PKP2 gene, creating a premature translation stop signal. This variant is expected to result in an absent or non-functional protein product. This variant has been reported in an individual affected with arrhythmogenic right ventricular cardiomyopathy and sudden cardiac arrest (PMID: 28472724). This variant has not been identified in the general population by the Genome Aggregation Database (gnomAD). Loss of PKP2 function is a known mechanism of disease. Based on the available evidence, this variant is classified as Pathogenic.

CeGaT Center for Human Genetics Tuebingen
Classification: Pathogenic. Last evaluated: 2022-03-01. Review status: criteria provided, single submitter. Criteria: CeGaT Center For Human Genetics Tuebingen Variant Classification Criteria Version 2. Collection method: clinical testing. Allele origin: germline. Affected: yes. Observed: 1 variant allele.
Comment: PKP2: PVS1, PM2, PS4:Moderate

Women's Health and Genetics/Laboratory Corporation of America, LabCorp
Classification: Likely pathogenic for Familial isolated arrhythmogenic right ventricular dysplasia. Last evaluated: 2017-05-09. Review status: criteria provided, single submitter. Criteria: LabCorp Variant Classification Summary - May 2015. Collection method: clinical testing. Allele origin: germline.
Comment: Variant summary: The PKP2 c.1138G>T (p.Glu380X) variant results in a premature termination codon, predicted to cause a truncated or absent PKP2 protein due to nonsense mediated decay, which are commonly known mechanisms for disease. Truncations downstream of this position have been classified as pathogenic by our laboratory (e.g. c.1237C>T, p.Arg413X; c.1613G>A, p.Trp538X; c.1912C>T, p.Gln638X; c.2013delC, p.Lys672fsX12). Mutation taster predicts a damaging outcome for this variant. The variant of interest is absent in a large, broad control population, ExAC in 121400 control chromosomes. The variant of interest has not been reported in peer-reviewed publications and/or by clinical diagnostic laboratories. ARVC and LOVD databases report this variant citing a poster material published in a journal (Tsatsopoulou et al. European Heart Journal 2007;28:Suppl; 382) in one proband with TCF positive ARVC who had positive family history of disease with five affected relatives. Both databases have classified it as pathogenic. Taken together, this variant is classified as likely pathogenic.

Literature cited by the submitters: PubMed 28472724 (cited by All of Us Research Program, National Institutes of Health and Color Diagnostics, LLC DBA Color Health).